The following is an entry in ClinVar:

ClinVar aggregate classification (germline): Uncertain significance. Review status: criteria provided, multiple submitters, no conflicts (2 of 4 stars). 2 submissions from 2 submitters: Uncertain significance (2). Last evaluated 2024-02-17.

Conditions:
Hepatic veno-occlusive disease-immunodeficiency syndrome. Also called: Hepatic Veno-Occlusive Disease with Immunodeficiency. Identifiers: Orphanet 79124, MedGen C1856128, MONDO:0009338, OMIM 235550. Disease mechanism: loss of function.

Allele frequency attached by ClinVar (database versions not stated): TOPMed 0.00004.
gnomAD v4.1: 32 of 1,612,408 alleles (0.002%); highest among the groups gnomAD compares: South Asian, 0.0044%; no homozygotes.

Submissions (2):

Labcorp Genetics (formerly Invitae), Labcorp
Classification: Uncertain significance for Hepatic veno-occlusive disease-immunodeficiency syndrome. Last evaluated: 2024-02-17. Review status: criteria provided, single submitter. Criteria: Invitae Variant Classification Sherloc (09022015). Collection method: clinical testing. Allele origin: germline.
Comment: This sequence change replaces glycine, which is neutral and non-polar, with serine, which is neutral and polar, at codon 684 of the SP110 protein (p.Gly684Ser). This variant is present in population databases (rs181058279, gnomAD 0.004%). This variant has not been reported in the literature in individuals affected with SP110-related conditions. ClinVar contains an entry for this variant (Variation ID: 334890). Algorithms developed to predict the effect of missense changes on protein structure and function output the following: SIFT: "Not Available"; PolyPhen-2: "Benign"; Align-GVGD: "Not Available". The serine amino acid residue is found in multiple mammalian species, which suggests that this missense change does not adversely affect protein function. In summary, the available evidence is currently insufficient to determine the role of this variant in disease. Therefore, it has been classified as a Variant of Uncertain Significance.

Illumina Laboratory Services, Illumina
Classification: Uncertain significance for Hepatic veno-occlusive disease-immunodeficiency syndrome. Last evaluated: 2018-01-12. Review status: criteria provided, single submitter. Criteria: ICSL Variant Classification Criteria 13 December 2019. Collection method: clinical testing. Allele origin: germline.

NM_080424.4(SP110):c.2122G>A (p.Gly708Ser)

Gene: SP110 (SP110 nuclear body protein; minus strand). Cytogenetic location: 2q37.1.
Variant type: single nucleotide variant.
Coding change: c.2122G>A on transcript NM_080424.4 (MANE Select); coding-DNA position 2122, G replaced by A.
Protein change: p.Gly708Ser; replaces glycine 708 with serine.
Molecular consequence: missense variant.
Genome position (GRCh38, 1-based): chr2:230,169,144, C>T on the plus strand (G>A on the coding strand, the complement: SP110 is on the minus strand). VCF-style: chr2-230169144-C-T. GRCh37 (hg19) VCF-style: chr2-231033860-C-T.
Other names: c.2218G>A, p.Gly740Ser (NM_001378442.1); c.2200G>A, p.Gly734Ser (NM_001378443.1); c.2140G>A, p.Gly714Ser (NM_001378444.1); c.2068G>A, p.Gly690Ser (NM_001378445.1); c.1927G>A, p.Gly643Ser (NM_001378446.1); c.2050G>A, p.Gly684Ser (NM_004509.5); short protein forms G684S, G708S, G643S, G690S, G714S, G734S, G740S.
Identifiers: ClinVar variation 334890 (VCV000334890.11), dbSNP rs181058279, ClinGen allele CA2154231.